The following is an entry in ClinVar:

ClinVar aggregate classification (germline): Uncertain significance (1 of 4 stars; one submission).

Conditions:
Autosomal recessive severe congenital neutropenia due to CSF3R deficiency. Also called: Neutropenia, severe congenital, 7, autosomal recessive. Identifiers: Orphanet 420702, MedGen C4310764, MONDO:0014865, OMIM 617014.

Allele frequency attached by ClinVar (database versions not stated): TOPMed 0.00001.
gnomAD v4.1: 1 of 1,614,140 alleles (0.000062%); highest among the groups gnomAD compares: African/African-American, 0.0013%; no homozygotes.

Submission:

Labcorp Genetics (formerly Invitae), Labcorp
Classification: Uncertain significance for Autosomal recessive severe congenital neutropenia due to CSF3R deficiency. Last evaluated: 2022-03-19. Review status: criteria provided, single submitter. Criteria: Invitae Variant Classification Sherloc (09022015). Collection method: clinical testing. Allele origin: germline.
Comment: This sequence change replaces glutamine, which is neutral and polar, with histidine, which is basic and polar, at codon 143 of the CSF3R protein (p.Gln143His). In summary, the available evidence is currently insufficient to determine the role of this variant in disease. Therefore, it has been classified as a Variant of Uncertain Significance. Algorithms developed to predict the effect of missense changes on protein structure and function are either unavailable or do not agree on the potential impact of this missense change (SIFT: "Tolerated"; PolyPhen-2: "Possibly Damaging"; Align-GVGD: "Class C0"). ClinVar contains an entry for this variant (Variation ID: 643048). This variant has not been reported in the literature in individuals affected with CSF3R-related conditions. This variant is not present in population databases (gnomAD no frequency).

NM_000760.4(CSF3R):c.429G>T (p.Gln143His)

Gene: CSF3R (colony stimulating factor 3 receptor; minus strand). Cytogenetic location: 1p34.3.
Variant type: single nucleotide variant.
Coding change: c.429G>T on transcript NM_000760.4 (MANE Select); coding-DNA position 429, G replaced by T.
Protein change: p.Gln143His; replaces glutamine 143 with histidine.
Molecular consequence: missense variant.
Genome position (GRCh38, 1-based): chr1:36,473,820, C>A on the plus strand (G>T on the coding strand, the complement: CSF3R is on the minus strand). VCF-style: chr1-36473820-C-A. GRCh37 (hg19) VCF-style: chr1-36939421-C-A.
Other names: c.429G>T, p.Gln143His (LRG_144t1, NM_156039.3, NM_172313.3); short protein forms Q143H.
Identifiers: ClinVar variation 643048 (VCV000643048.8), dbSNP rs766974881, ClinGen allele CA339424056.